The following is an entry in ClinVar:

ClinVar aggregate classification (germline): Uncertain significance. Review status: criteria provided, multiple submitters, no conflicts (2 of 4 stars). 2 submissions from 2 submitters: Uncertain significance (2). Last evaluated 2025-10-16.

Conditions:
Sphingolipid activator protein 1 deficiency. Also called: Saposin B Deficiency; Metachromatic leukodystrophy due to saposin B deficiency; METACHROMATIC LEUKODYSTROPHY DUE TO CEREBROSIDE SULFATASE ACTIVATOR DEFICIENCY. Identifiers: Orphanet 512, MedGen C0268262, MONDO:0009590, OMIM 249900.

Allele frequency attached by ClinVar (database versions not stated): gnomAD 0.00001; gnomAD exomes 0.00002.
gnomAD v4.1: 27 of 1,614,040 alleles (0.0017%); highest among the groups gnomAD compares: Admixed American, 0.0033%; no homozygotes.

Submissions (2):

Mayo Clinic Laboratories, Mayo Clinic
Classification: Uncertain significance. Last evaluated: 2025-10-16. Review status: criteria provided, single submitter. Criteria: ACMG Guidelines, 2015. Collection method: clinical testing. Allele origin: germline. Observed: 2 variant alleles.
Comment: BP4_moderate

Labcorp Genetics (formerly Invitae), Labcorp
Classification: Uncertain significance for Sphingolipid activator protein 1 deficiency. Last evaluated: 2025-08-21. Review status: criteria provided, single submitter. Criteria: Invitae Variant Classification Sherloc (09022015). Collection method: clinical testing. Allele origin: germline.
Comment: This sequence change replaces isoleucine, which is neutral and non-polar, with methionine, which is neutral and non-polar, at codon 240 of the PSAP protein (p.Ile240Met). This variant is present in population databases (no rsID available, gnomAD 0.002%). This variant has not been reported in the literature in individuals affected with PSAP-related conditions. ClinVar contains an entry for this variant (Variation ID: 2150201). Invitae Evidence Modeling of protein sequence and biophysical properties (such as structural, functional, and spatial information, amino acid conservation, physicochemical variation, residue mobility, and thermodynamic stability) indicates that this missense variant is not expected to disrupt PSAP protein function with a negative predictive value of 95%. In summary, the available evidence is currently insufficient to determine the role of this variant in disease. Therefore, it has been classified as a Variant of Uncertain Significance.

NM_002778.4(PSAP):c.720A>G (p.Ile240Met)

Gene: PSAP (prosaposin; minus strand). Cytogenetic location: 10q22.1.
Variant type: single nucleotide variant.
Coding change: c.720A>G on transcript NM_002778.4 (MANE Select); coding-DNA position 720, A replaced by G.
Protein change: p.Ile240Met; replaces isoleucine 240 with methionine.
Molecular consequence: missense variant.
Genome position (GRCh38, 1-based): chr10:71,828,014, T>C on the plus strand (A>G on the coding strand, the complement: PSAP is on the minus strand). VCF-style: chr10-71828014-T-C. GRCh37 (hg19) VCF-style: chr10-73587771-T-C.
Other names: p.Ile240Met; c.720A>G, p.Ile240Met (NM_001042465.3, NM_001042466.3); short protein forms I240M.
Identifiers: ClinVar variation 2150201 (VCV002150201.5), dbSNP rs1365266690, ClinGen allele CA377150591.